The following is an entry in ClinVar:

ClinVar aggregate classification (germline): Uncertain significance (1 of 4 stars; one submission).

Submission:

Dasa
Classification: Uncertain significance. Last evaluated: 2025-03-03. Review status: criteria provided, single submitter. Criteria: DASA Assertion Criteria. Collection method: clinical testing. Allele origin: germline.
Comment: NM_020922.5(WNK3):c.5401T>C (p.*1801Argext*40) is a nonsense variant in WNK3 predicted to introduce a premature termination codon. This variant is absent from population databases. The currently available literature and clinical evidence are not sufficient to establish a definitive association between this variant and the reported condition. Therefore, this variant is classified as a variant of uncertain significance.

NM_020922.5(WNK3):c.5401T>C (p.Ter1801Arg)

Gene: WNK3 (WNK lysine deficient protein kinase 3; minus strand). Cytogenetic location: Xp11.22.
Variant type: single nucleotide variant.
Coding change: c.5401T>C on transcript NM_020922.5 (MANE Select); coding-DNA position 5401, T replaced by C.
Protein change: p.Ter1801Arg.
Molecular consequence: stop lost.
Genome position (GRCh38, 1-based): chrX:54,198,326, A>G on the plus strand (T>C on the coding strand, the complement: WNK3 is on the minus strand). VCF-style: chrX-54198326-A-G. GRCh37 (hg19) VCF-style: chrX-54224759-A-G.
Other names: c.5230T>C, p.Ter1744Arg (NM_001002838.4, NM_001395166.1).
Identifiers: ClinVar variation 4882330 (VCV004882330.2).